The following is an entry in ClinVar:

ClinVar aggregate classification (germline): Uncertain significance (1 of 4 stars; one submission).

Allele frequency attached by ClinVar (database versions not stated): gnomAD exomes below 0.00001.
gnomAD v4.1: 3 of 1,612,760 alleles (0.00019%); highest among the groups gnomAD compares: South Asian, 0.0011%; no homozygotes.

Submission:

Labcorp Genetics (formerly Invitae), Labcorp
Classification: Uncertain significance. Last evaluated: 2025-12-23. Review status: criteria provided, single submitter. Criteria: Invitae Variant Classification Sherloc (09022015). Collection method: clinical testing. Allele origin: germline.
Comment: This sequence change replaces methionine, which is neutral and non-polar, with threonine, which is neutral and polar, at codon 821 of the ABL1 protein (p.Met821Thr). This variant is not present in population databases (gnomAD no frequency). This variant has not been reported in the literature in individuals affected with ABL1-related conditions. ClinVar contains an entry for this variant (Variation ID: 1964993). Invitae Evidence Modeling of protein sequence and biophysical properties (such as structural, functional, and spatial information, amino acid conservation, physicochemical variation, residue mobility, and thermodynamic stability) indicates that this missense variant is not expected to disrupt ABL1 protein function with a negative predictive value of 95%. In summary, the available evidence is currently insufficient to determine the role of this variant in disease. Therefore, it has been classified as a Variant of Uncertain Significance.

NM_005157.6(ABL1):c.2405T>C (p.Met802Thr)

Gene: ABL1 (ABL proto-oncogene 1, non-receptor tyrosine kinase; plus strand). Cytogenetic location: 9q34.12.
Variant type: single nucleotide variant.
Coding change: c.2405T>C on transcript NM_005157.6 (MANE Select); coding-DNA position 2405, T replaced by C.
Protein change: p.Met802Thr; replaces methionine 802 with threonine.
Molecular consequence: missense variant.
Genome position (GRCh38, 1-based): chr9:130,884,695, T>C. VCF-style: chr9-130884695-T-C. GRCh37 (hg19) VCF-style: chr9-133760082-T-C.
Other names: c.2462T>C, p.Met821Thr (NM_007313.3); short protein forms M802T, M821T.
Identifiers: ClinVar variation 1964993 (VCV001964993.5), dbSNP rs1831536600, ClinGen allele CA375256212.
Genomic context (GRCh38, chr9:130,884,695, plus strand): 5'-CTCCCCCCAGGCTGGTGAAAAAGAATGAGGAAGCTGCTGATGAGGTCTTCAAAGACATCA[T>C]GGAGTCCAGCCCGGGCTCCAGCCCGCCCAACCTGACTCCAAAACCCCTCCGGCGGCAGGT-3'
Protein context (NP_005148.2, residues 792-812): EAADEVFKDI[Met802Thr]ESSPGSSPPN